The following is an entry in ClinVar:

NM_173630.4(RTTN):c.6154-16_6154-13del

Gene: RTTN (rotatin; minus strand). Cytogenetic location: 18q22.2.
Variant type: Microsatellite.
Coding change: c.6154-16_6154-13del on transcript NM_173630.4 (MANE Select); 16 bases into the intron before coding-DNA position 6154 through 13 bases into the intron before coding-DNA position 6154, 4 bases deleted (CTCT; older notation c.6154-16_6154-13delCTCT).
Molecular consequence: intron variant.
Genome position (GRCh38, 1-based): chr18:70,017,687-70,017,690, AGAG deleted on the plus strand (CTCT on the coding strand, the reverse complement: RTTN is on the minus strand); deleting any 4 consecutive bases within chr18:70,017,687-70,017,693 gives the same sequence; the c. name uses the placement nearest the transcript's 3' end. VCF-style (leftmost placement, unchanged base first): chr18-70017686-TAGAG-T. GRCh37 (hg19) VCF-style: chr18-67684922-TAGAG-T.
Other names: c.3418-16_3418-13del (NM_001318520.2).
Identifiers: ClinVar variation 1605983 (VCV001605983.9), dbSNP rs765143937, ClinGen allele CA991578558.

ClinVar aggregate classification (germline): Conflicting classifications of pathogenicity. Review status: criteria provided, conflicting classifications (1 of 4 stars). 2 submissions from 2 submitters: Uncertain significance (1); Likely benign (1). Last evaluated 2023-05-02.

Conditions:
Microcephalic primordial dwarfism due to RTTN deficiency (MSSP). Also called: MICROCEPHALY, SHORT STATURE, AND POLYMICROGYRIA; Microcephaly, short stature, and polymicrogyria with or without seizures. Identifiers: Orphanet 468631, MedGen C3553831, MONDO:0018764, OMIM 614833.

Submissions (2):

Broad Center for Mendelian Genomics, Broad Institute of MIT and Harvard
Classification: Uncertain significance for Microcephalic primordial dwarfism due to RTTN deficiency. Last evaluated: 2023-05-02. Review status: criteria provided, single submitter. Criteria: ACMG Guidelines, 2015. Collection method: curation. Allele origin: germline. Inheritance: Autosomal recessive inheritance.
Comment: The c.6154-16_6154-13del variant in RTTN has not been previously reported in individuals with microcephaly, short stature, and polymicrogyria with or without seizures but has been identified in 0.002% (1/41464) of African/African American chromosomes by the Genome Aggregation Database (gnomAD; dbSNP ID: rs765143937). Although this variant has been seen in the general population in a heterozygous state, its frequency is low enough to be consistent with a recessive carrier frequency. This variant has also been reported in ClinVar (Variation ID: 1605983) and has been interpreted as likely benign by Invitae. This variant is located in the 3' splice region. Computational tools predict a splicing impact, though this information is not predictive enough to determine pathogenicity. In summary, the clinical significance of the c.6154-16_6154-13del variant is uncertain. ACMG/AMP Criteria applied: PM2_Supporting, PM3_Supporting, PP3 (Richards 2015).

Labcorp Genetics (formerly Invitae), Labcorp
Classification: Likely benign. Last evaluated: 2022-07-18. Review status: criteria provided, single submitter. Criteria: Invitae Variant Classification Sherloc (09022015). Collection method: clinical testing. Allele origin: germline.